The following is an entry in ClinVar:

ClinVar aggregate classification (germline): Likely benign (0 of 4 stars; one submission).

Conditions:
NRXN1-related disorder.

Allele frequency attached by ClinVar (database versions not stated): gnomAD exomes 0.00016; gnomAD 0.00017; ExAC 0.00019; TOPMed 0.00015; ESP Exome Variant Server 0.00016.
gnomAD v4.1: 277 of 1,606,570 alleles (0.017%); highest among the groups gnomAD compares: Non-Finnish European, 0.0099%; 1 homozygote.

Submission:

PreventionGenetics, part of Exact Sciences
Classification: Likely benign for NRXN1-related condition. Last evaluated: 2023-07-12. Review status: no assertion criteria provided. Collection method: clinical testing. Allele origin: germline.
Comment: This variant is classified as likely benign based on ACMG/AMP sequence variant interpretation guidelines (Richards et al. 2015 PMID: 25741868, with internal and published modifications).

NM_001330078.2(NRXN1):c.820+35G>C

Gene: NRXN1 (neurexin 1; minus strand). Cytogenetic location: 2p16.3.
Variant type: single nucleotide variant.
Coding change: c.820+35G>C on transcript NM_001330078.2 (MANE Select); 35 bases into the intron after coding-DNA position 820, G replaced by C.
Molecular consequence: intron variant. On other transcripts: missense variant (1).
Genome position (GRCh38, 1-based): chr2:50,922,623, C>G on the plus strand (G>C on the coding strand, the complement: NRXN1 is on the minus strand). VCF-style: chr2-50922623-C-G. GRCh37 (hg19) VCF-style: chr2-51149761-C-G.
Other names: c.837G>C, p.Gln279His (NM_001330089.2); c.772+104879G>C (NM_001330096.2, NM_001330087.2, NM_001330083.2 and 1 more transcripts); c.802+35G>C (NM_001330088.2); c.817+35G>C (NM_001330093.2, NM_001330079.2); c.820+35G>C (NM_001330094.2, NM_001330095.2, NM_001330082.2 and 6 more transcripts); c.919+35G>C (NM_001135659.3); short protein forms Q279H.
Identifiers: ClinVar variation 3054421 (VCV003054421.2), dbSNP rs201734514, ClinGen allele CA1655290.